The following is an entry in ClinVar:

NM_001267550.2(TTN):c.71491_71492insT (p.Gly23831fs)

Genes: TTN (titin; minus strand), TTN-AS1 (TTN antisense RNA 1; plus strand). Cytogenetic location: 2q31.2.
Variant type: Insertion.
Coding change: c.71491_71492insT on transcript NM_001267550.2 (MANE Select); coding-DNA positions 71491 to 71492, T inserted.
Protein change: p.Gly23831fs; shifts the reading frame from glycine 23831.
Molecular consequence: frameshift variant.
Genome position: GRCh38 VCF-style: chr2-178574640-C-CA. GRCh37 (hg19) VCF-style: chr2-179439367-C-CA.
Other names: c.66568_66569insT, p.Gly22190fs (NM_001256850.1); c.44296_44297insT, p.Gly14766fs (NM_003319.4); c.63787_63788insT, p.Gly21263fs (NM_133378.4); c.44671_44672insT, p.Gly14891fs (NM_133432.3); c.44872_44873insT, p.Gly14958fs (NM_133437.4); short protein forms G14958fs, G14766fs, G21263fs, G23831fs, G14891fs, G22190fs.
Identifiers: ClinVar variation 1740523 (VCV001740523.3), dbSNP rs1196000654, ClinGen allele CA761291155.

ClinVar aggregate classification (germline): Likely pathogenic. Review status: criteria provided, multiple submitters, no conflicts (2 of 4 stars). 2 submissions from 2 submitters: Likely pathogenic (2). Last evaluated 2025-06-18.

Conditions:
Cardiovascular phenotype. Identifiers: MedGen CN230736.
Autosomal recessive limb-girdle muscular dystrophy type 2J (LGMDR10). Also called: MUSCULAR DYSTROPHY, LIMB-GIRDLE, AUTOSOMAL RECESSIVE 10; Limb-girdle muscular dystrophy, type 2J. Identifiers: Orphanet 140922, MedGen C1837342, MONDO:0012127, OMIM 608807.
Dilated cardiomyopathy 1G (CMD1G). Identifiers: Orphanet 154, MedGen C1858763, MONDO:0011400, OMIM 604145.

Allele frequency attached by ClinVar (database versions not stated): TOPMed below 0.00001.

Submissions (2):

Labcorp Genetics (formerly Invitae), Labcorp
Classification: Likely pathogenic for Dilated cardiomyopathy 1G; Autosomal recessive limb-girdle muscular dystrophy type 2J. Last evaluated: 2025-06-18. Review status: criteria provided, single submitter. Criteria: Invitae Variant Classification Sherloc (09022015). Collection method: clinical testing. Allele origin: germline.
Comment: This sequence change creates a premature translational stop signal (p.Gly23831Valfs*16) in the TTN gene. While this is not anticipated to result in nonsense mediated decay, it is expected to create a truncated TTN protein. This variant is not present in population databases (gnomAD no frequency). This variant has not been reported in the literature in individuals affected with TTN-related conditions. ClinVar contains an entry for this variant (Variation ID: 1740523). This variant is located in the A band of TTN (PMID: 25589632). Truncating variants in this region are significantly overrepresented in patients affected with dilated cardiomyopathy (PMID: 25589632). Truncating variants in this region have also been reported in individuals affected with autosomal recessive centronuclear myopathy (PMID: 23975875). In summary, the currently available evidence indicates that the variant is pathogenic, but additional data are needed to prove that conclusively. Therefore, this variant has been classified as Likely Pathogenic.

Ambry Genetics
Classification: Likely pathogenic for Cardiovascular phenotype. Last evaluated: 2018-06-01. Review status: criteria provided, single submitter. Criteria: Ambry Variant Classification Scheme 2023. Collection method: clinical testing. Allele origin: germline.
Comment: The c.44296_44297insT variant, located in coding exon 153 of the TTN gene, results from an insertion of one nucleotide at position 44296, causing a translational frameshift with a predicted alternate stop codon (p.G14766Vfs*16). This exon is located in the A-band region of the N2-B isoform of the titin protein and is constitutively expressed in TTN transcripts (percent spliced in or PSI 100%). While truncating variants in TTN are present in 1-3% of the general population, truncating variants in the A-band are the most common cause of dilated cardiomyopathy (DCM) (Herman DS et al. N. Engl. J. Med. 2012 Feb;366:619-28; Roberts AM et al. Sci Transl Med. 2015 Jan;7:270ra6). TTN truncating variants encoded in constitutive exons (PSI >90%) have been found to be significantly associated with DCM regardless of their position in titin (Schafer S et al. Nat. Genet. 2017 Jan;49:46-53). This alteration is expected to result in loss of function by premature protein truncation or nonsense-mediated mRNA decay. As such, this alteration is classified as likely pathogenic.

Literature cited by the submitters: PubMed 25589632 (cited by Labcorp Genetics (formerly Invitae), Labcorp); PubMed 23975875 (cited by Labcorp Genetics (formerly Invitae), Labcorp).